The following is an entry in ClinVar:

ClinVar aggregate classification (germline): Uncertain significance. Review status: criteria provided, multiple submitters, no conflicts (2 of 4 stars). 3 submissions from 3 submitters: Uncertain significance (2). 1 of the submissions does not count toward it. Last evaluated 2024-10-19.

Conditions:
Hereditary cancer-predisposing syndrome. Also called: Hereditary Cancer Syndrome; Hereditary neoplastic syndrome; Neoplastic Syndromes, Hereditary; Tumor predisposition. Identifiers: Orphanet 140162, MedGen C0027672, MeSH D009386, MONDO:0015356.
Bloom syndrome (BLM). Also called: Bloom-Torre-Machacek syndrome. Identifiers: Orphanet 125, MedGen C0005859, MONDO:0008876, OMIM 210900.

Submissions (3):

Labcorp Genetics (formerly Invitae), Labcorp
Classification: Uncertain significance for Bloom syndrome. Last evaluated: 2024-10-19. Review status: criteria provided, single submitter. Criteria: Invitae Variant Classification Sherloc (09022015). Collection method: clinical testing. Allele origin: germline.
Comment: This sequence change replaces proline, which is neutral and non-polar, with arginine, which is basic and polar, at codon 1408 of the BLM protein (p.Pro1408Arg). This variant is not present in population databases (gnomAD no frequency). This variant has not been reported in the literature in individuals affected with BLM-related conditions. ClinVar contains an entry for this variant (Variation ID: 454152). An algorithm developed to predict the effect of missense changes on protein structure and function (PolyPhen-2) suggests that this variant is likely to be tolerated. In summary, the available evidence is currently insufficient to determine the role of this variant in disease. Therefore, it has been classified as a Variant of Uncertain Significance.

Ambry Genetics
Classification: Uncertain significance for Hereditary cancer-predisposing syndrome. Last evaluated: 2024-06-11. Review status: criteria provided, single submitter. Criteria: Ambry Variant Classification Scheme 2023. Collection method: clinical testing. Allele origin: germline.
Comment: The p.P1408R variant (also known as c.4223C>G), located in coding exon 21 of the BLM gene, results from a C to G substitution at nucleotide position 4223. The proline at codon 1408 is replaced by arginine, an amino acid with dissimilar properties. This amino acid position is conserved. In addition, this alteration is predicted to be tolerated by in silico analysis. Since supporting evidence is limited at this time, the clinical significance of this alteration remains unclear.

Natera, Inc.
Classification: Uncertain significance for Bloom syndrome. Last evaluated: 2021-03-19. Review status: no assertion criteria provided. Collection method: clinical testing. Allele origin: germline. Not counted in ClinVar's aggregate classification.

NM_000057.4(BLM):c.4223C>G (p.Pro1408Arg)

Gene: BLM (BLM RecQ like helicase; plus strand). Cytogenetic location: 15q26.1.
Variant type: single nucleotide variant.
Coding change: c.4223C>G on transcript NM_000057.4 (MANE Select); coding-DNA position 4223, C replaced by G.
Protein change: p.Pro1408Arg; replaces proline 1408 with arginine.
Molecular consequence: missense variant.
Genome position (GRCh38, 1-based): chr15:90,815,248, C>G. VCF-style: chr15-90815248-C-G. GRCh37 (hg19) VCF-style: chr15-91358478-C-G.
Other names: c.4223C>G, p.Pro1408Arg (NM_001287246.2); c.3830C>G, p.Pro1277Arg (NM_001287247.2); c.3098C>G, p.Pro1033Arg (NM_001287248.2); c.4223C>G (NM_000057.2); short protein forms P1408R, P1277R, P1033R.
Identifiers: ClinVar variation 454152 (VCV000454152.11), dbSNP rs1022266595, ClinGen allele CA393853162.